The following is an entry in ClinVar:

ClinVar aggregate classification (germline): Uncertain significance (1 of 4 stars; one submission).

Conditions:
Primary ciliary dyskinesia. Also called: Ciliary dyskinesia. Identifiers: Orphanet 244, MedGen C0008780, MONDO:0016575, HP:0012265.

gnomAD v4.1: 1 of 1,614,006 alleles (0.000062%); highest among the groups gnomAD compares: Non-Finnish European, 0.000085%; no homozygotes.

Submission:

Labcorp Genetics (formerly Invitae), Labcorp
Classification: Uncertain significance for Primary ciliary dyskinesia. Last evaluated: 2024-10-22. Review status: criteria provided, single submitter. Criteria: Invitae Variant Classification Sherloc (09022015). Collection method: clinical testing. Allele origin: germline.
Comment: This sequence change replaces glutamine, which is neutral and polar, with arginine, which is basic and polar, at codon 1937 of the DNAH11 protein (p.Gln1937Arg). This variant is not present in population databases (gnomAD no frequency). This variant has not been reported in the literature in individuals affected with DNAH11-related conditions. Invitae Evidence Modeling of protein sequence and biophysical properties (such as structural, functional, and spatial information, amino acid conservation, physicochemical variation, residue mobility, and thermodynamic stability) indicates that this missense variant is not expected to disrupt DNAH11 protein function with a negative predictive value of 95%. In summary, the available evidence is currently insufficient to determine the role of this variant in disease. Therefore, it has been classified as a Variant of Uncertain Significance.

NM_001277115.2(DNAH11):c.5810A>G (p.Gln1937Arg)

Gene: DNAH11 (dynein axonemal heavy chain 11; plus strand). Cytogenetic location: 7p15.3.
Variant type: single nucleotide variant.
Coding change: c.5810A>G on transcript NM_001277115.2 (MANE Select); coding-DNA position 5810, A replaced by G.
Protein change: p.Gln1937Arg; replaces glutamine 1937 with arginine.
Molecular consequence: missense variant.
Genome position (GRCh38, 1-based): chr7:21,687,413, A>G. VCF-style: chr7-21687413-A-G. GRCh37 (hg19) VCF-style: chr7-21727031-A-G.
Other names: short protein forms Q1937R.
Identifiers: ClinVar variation 3719738 (VCV003719738.2).